The following is an entry in ClinVar:

NM_001142800.2(EYS):c.4707A>T (p.Glu1569Asp)

Gene: EYS (EGF-like photoreceptor maintenance factor; minus strand). Cytogenetic location: 6q12.
Variant type: single nucleotide variant.
Coding change: c.4707A>T on transcript NM_001142800.2 (MANE Select); coding-DNA position 4707, A replaced by T.
Protein change: p.Glu1569Asp; replaces glutamic acid 1569 with aspartic acid.
Molecular consequence: missense variant.
Genome position (GRCh38, 1-based): chr6:64,591,160, T>A on the plus strand (A>T on the coding strand, the complement: EYS is on the minus strand). VCF-style: chr6-64591160-T-A. GRCh37 (hg19) VCF-style: chr6-65301053-T-A.
Other names: c.4707A>T, p.Glu1569Asp (NM_001292009.2); short protein forms E1569D.
Identifiers: ClinVar variation 1976219 (VCV001976219.5), dbSNP rs2533152400, ClinGen allele CA364782722.
Genomic context (GRCh38, chr6:64,591,160, plus strand): 5'-GTTCATCCAGAATGTCTCATAAAAGTGGGACTGTTTGCTATGCAAAACTTGATCTGAGAA[T>A]TCACGAGAGGATTTTATTTCAGTCATAGAACATGTTGCACATGTTTGGCTTAATTCTCTT-3'
Protein context (NP_001136272.1, residues 1559-1579): CSMTEIKSSR[Glu1569Asp]FSDQVLHSKQ

ClinVar aggregate classification (germline): Uncertain significance (1 of 4 stars; one submission).

Allele frequency attached by ClinVar (database versions not stated): gnomAD exomes below 0.00001.
gnomAD v4.1: 1 of 1,551,364 alleles (0.000064%); highest among the groups gnomAD compares: Non-Finnish European, 0.000087%; no homozygotes.

Submission:

Labcorp Genetics (formerly Invitae), Labcorp
Classification: Uncertain significance. Last evaluated: 2025-09-08. Review status: criteria provided, single submitter. Criteria: Invitae Variant Classification Sherloc (09022015). Collection method: clinical testing. Allele origin: germline.
Comment: This sequence change replaces glutamic acid, which is acidic and polar, with aspartic acid, which is acidic and polar, at codon 1569 of the EYS protein (p.Glu1569Asp). This variant is not present in population databases (gnomAD no frequency). This variant has not been reported in the literature in individuals affected with EYS-related conditions. ClinVar contains an entry for this variant (Variation ID: 1976219). Invitae Evidence Modeling of protein sequence and biophysical properties (such as structural, functional, and spatial information, amino acid conservation, physicochemical variation, residue mobility, and thermodynamic stability) has been performed for this missense variant. However, the output from this modeling did not meet the statistical confidence thresholds required to predict the impact of this variant on EYS protein function. In summary, the available evidence is currently insufficient to determine the role of this variant in disease. Therefore, it has been classified as a Variant of Uncertain Significance.